The following is an entry in ClinVar:

ClinVar aggregate classification (germline): Benign/Likely benign. Review status: criteria provided, multiple submitters, no conflicts (2 of 4 stars). 16 submissions from 15 submitters: Benign (12); Likely benign (2). 2 of the submissions do not count toward it. Last evaluated 2026-02-03.

Conditions:
Cardiovascular phenotype. Identifiers: MedGen CN230736.
Cardiomyopathy (CMYO). Also called: Cardiomyopathies. Identifiers: Orphanet 167848, MedGen C0878544, MONDO:0004994, HP:0001638. Inheritance: Various modes of inheritance.
Catecholaminergic polymorphic ventricular tachycardia 1. Also called: VENTRICULAR TACHYCARDIA, CATECHOLAMINERGIC POLYMORPHIC, 1, WITH OR WITHOUT ATRIAL DYSFUNCTION AND/OR DILATED CARDIOMYOPATHY; VENTRICULAR TACHYCARDIA, STRESS-INDUCED POLYMORPHIC 1; RYR2-Related Catecholaminergic Polymorphic Ventricular Tachycardia. Identifiers: Orphanet 3286, MedGen C1631597, MONDO:0011484, OMIM 604772.
Arrhythmogenic right ventricular dysplasia 2. Identifiers: MedGen C1832931.
Catecholaminergic polymorphic ventricular tachycardia (CVPT). Also called: Catecholamine-induced polymorphic ventricular tachycardia. Identifiers: Orphanet 3286, MedGen C5574922, MONDO:0017990.

Allele frequency attached by ClinVar (database versions not stated): gnomAD exomes 0.00077 and 0.00183; ExAC 0.00200; gnomAD 0.00631 and 0.00675; ESP Exome Variant Server 0.00653; TOPMed 0.00700; 1000 Genomes Project 0.00719; 1000 Genomes Project 30x 0.00734.
gnomAD v4.1: 2,129 of 1,614,000 alleles (0.13%); highest among the groups gnomAD compares: African/African-American, 2.3%; 23 homozygotes.

Submissions (16):

Labcorp Genetics (formerly Invitae), Labcorp
Classification: Benign for Catecholaminergic polymorphic ventricular tachycardia 1. Last evaluated: 2026-02-03. Review status: criteria provided, single submitter. Criteria: Invitae Variant Classification Sherloc (09022015). Collection method: clinical testing. Allele origin: germline.

Blueprint Genetics
Classification: Likely benign. Last evaluated: 2024-09-09. Review status: criteria provided, single submitter. Criteria: ACMG Guidelines, 2015. Collection method: clinical testing. Allele origin: germline.

All of Us Research Program, National Institutes of Health
Classification: Benign for Catecholaminergic polymorphic ventricular tachycardia. Last evaluated: 2024-02-05. Review status: criteria provided, single submitter. Criteria: ACMG Guidelines, 2015. Collection method: clinical testing. Allele origin: germline. Inheritance: Autosomal dominant inheritance. Observed: 408 variant alleles, 406 heterozygotes, 2 homozygotes.
Comment: This study involves interpretation of variants in research participants for the purpose of population health screening. Participant phenotype was not available at the time of variant classification. Additional details can be found in publication PMID: 35346344, PMCID: PMC8962531

ARUP Laboratories, Molecular Genetics and Genomics, ARUP Laboratories
Classification: Benign. Last evaluated: 2023-12-07. Review status: criteria provided, single submitter. Criteria: ARUP Molecular Germline Variant Investigation Process 2024. Collection method: clinical testing. Allele origin: germline.

Molecular Diagnostic Laboratory for Inherited Cardiovascular Disease, Montreal Heart Institute
Classification: Benign. Last evaluated: 2020-05-30. Review status: criteria provided, single submitter. Criteria: ACMG Guidelines, 2015. Collection method: clinical testing. Allele origin: germline. Affected: yes.

Mayo Clinic Laboratories, Mayo Clinic
Classification: Benign. Last evaluated: 2018-07-20. Review status: criteria provided, single submitter. Criteria: ACMG Guidelines, 2015. Collection method: clinical testing. Allele origin: germline. Observed: 8 variant alleles.

Color Diagnostics, LLC DBA Color Health
Classification: Benign for Cardiomyopathy. Last evaluated: 2018-03-16. Review status: criteria provided, single submitter. Criteria: ACMG Guidelines, 2015. Collection method: clinical testing. Allele origin: germline.

Illumina Laboratory Services, Illumina
Classification: Likely benign for Catecholaminergic polymorphic ventricular tachycardia 1. Last evaluated: 2018-01-13. Review status: criteria provided, single submitter. Criteria: ICSL Variant Classification Criteria 13 December 2019. Collection method: clinical testing. Allele origin: germline.
Comment: This variant was observed in the ICSL laboratory as part of a predisposition screen in an ostensibly healthy population. It had not been previously curated by ICSL or reported in the Human Gene Mutation Database (HGMD: prior to June 1st, 2018), and was therefore a candidate for classification through an automated scoring system. Utilizing variant allele frequency, disease prevalence and penetrance estimates, and inheritance mode, an automated score was calculated to assess if this variant is too frequent to cause the disease. Based on the score and internal cut-off values, a variant classified as likely benign is not then subjected to further curation. The score for this variant resulted in a classification of likely benign for this disease.

Illumina Laboratory Services, Illumina
Classification: Benign for Catecholaminergic polymorphic ventricular tachycardia 1. Last evaluated: 2018-01-13. Review status: criteria provided, single submitter. Criteria: ICSL Variant Classification Criteria 13 December 2019. Collection method: clinical testing. Allele origin: germline.
Comment: This variant was observed in the ICSL laboratory as part of a predisposition screen in an ostensibly healthy population. It had not been previously curated by ICSL or reported in the Human Gene Mutation Database (HGMD: prior to June 1st, 2018), and was therefore a candidate for classification through an automated scoring system. Utilizing variant allele frequency, disease prevalence and penetrance estimates, and inheritance mode, an automated score was calculated to assess if this variant is too frequent to cause the disease. Based on the score and internal cut-off values, a variant classified as benign is not then subjected to further curation. The score for this variant resulted in a classification of benign for this disease.

CHEO Genetics Diagnostic Laboratory, Children's Hospital of Eastern Ontario
Classification: Benign for Cardiomyopathy. Last evaluated: 2017-09-01. Review status: criteria provided, single submitter. Criteria: ACMG Guidelines, 2015. Collection method: clinical testing. Allele origin: germline. Study: Canadian Open Genetics Repository.

Ambry Genetics
Classification: Benign for Cardiovascular phenotype. Last evaluated: 2015-09-17. Review status: criteria provided, single submitter. Criteria: Ambry Variant Classification Scheme 2023. Collection method: clinical testing. Allele origin: germline.

GeneDx
Classification: Benign. Last evaluated: 2015-03-03. Review status: criteria provided, single submitter. Criteria: GeneDx Variant Classification Process June 2021. Collection method: clinical testing. Allele origin: germline. Affected: yes.

Laboratory for Molecular Medicine, Mass General Brigham Personalized Medicine
Classification: Benign. Last evaluated: 2012-01-13. Review status: criteria provided, single submitter. Criteria: LMM Criteria. Collection method: clinical testing. Allele origin: germline. Observed: 15 variant alleles.

PreventionGenetics, part of Exact Sciences
Classification: Benign. Review status: criteria provided, single submitter. Criteria: ACMG Guidelines, 2015. Collection method: clinical testing. Allele origin: germline.

Clinical Genetics DNA and cytogenetics Diagnostics Lab, Erasmus MC, Erasmus Medical Center
Classification: Benign. Review status: no assertion criteria provided. Collection method: clinical testing. Allele origin: germline. Affected: yes. Study: VKGL Data-share Consensus. Not counted in ClinVar's aggregate classification.

Clinical Genetics, Academic Medical Center
Classification: Benign. Review status: no assertion criteria provided. Collection method: clinical testing. Allele origin: germline. Affected: yes. Study: VKGL Data-share Consensus. Not counted in ClinVar's aggregate classification.

NM_001035.3(RYR2):c.2046A>G (p.Thr682=)

Gene: RYR2 (ryanodine receptor 2; plus strand). Cytogenetic location: 1q43.
Variant type: single nucleotide variant.
Coding change: c.2046A>G on transcript NM_001035.3 (MANE Select); coding-DNA position 2046, A replaced by G.
Protein change: p.Thr682=; no amino-acid change (threonine 682 retained).
Molecular consequence: synonymous variant.
Genome position (GRCh38, 1-based): chr1:237,496,595, A>G. VCF-style: chr1-237496595-A-G. GRCh37 (hg19) VCF-style: chr1-237659895-A-G.
Other names: p.Thr682=.
Identifiers: ClinVar variation 43755 (VCV000043755.77), dbSNP rs116098815, ClinGen allele CA008671.
Genomic context (GRCh38, chr1:237,496,595, plus strand): 5'-CGTCAGTGAAGGTTCTGCTCAGTATAAGAAATGGTACTATGAATTGATGGTGGACCACAC[A>G]GAGCCCTTTGTGACAGCTGAAGCAACTCACCTGCGAGTGGGCTGGGCTTCCACTGAAGGA-3'
Protein context (NP_001026.2, residues 672-692): KWYYELMVDH[Thr682=]EPFVTAEATH